The following is an entry in ClinVar:

ClinVar aggregate classification (germline): Conflicting classifications of pathogenicity. Review status: criteria provided, conflicting classifications (1 of 4 stars). 8 submissions from 8 submitters: Uncertain significance (4); Benign (1); Likely benign (3). Last evaluated 2026-06-09.

Conditions:
PMS2-related disorder. Also called: PMS2-related condition.
Hereditary nonpolyposis colorectal neoplasms. Identifiers: MedGen C0009405, MeSH D003123.
Hereditary cancer-predisposing syndrome. Also called: Neoplastic Syndromes, Hereditary; Tumor predisposition; Hereditary neoplastic syndrome; Hereditary Cancer Syndrome. Identifiers: Orphanet 140162, MedGen C0027672, MeSH D009386, MONDO:0015356.
Lynch syndrome. Identifiers: Orphanet 144, MedGen C4552100, MONDO:0005835. Disease mechanism: loss of function.

Allele frequency attached by ClinVar (database versions not stated): gnomAD 0.00001; gnomAD exomes 0.00002; TOPMed 0.00002.
gnomAD v4.1: 29 of 1,614,000 alleles (0.0018%); highest among the groups gnomAD compares: Non-Finnish European, 0.002%; no homozygotes.

Submissions (8):

Women's Health and Genetics/Laboratory Corporation of America, LabCorp
Classification: Uncertain significance. Last evaluated: 2026-06-09. Review status: criteria provided, single submitter. Criteria: LabCorp Variant Classification Summary - May 2015. Collection method: clinical testing. Allele origin: germline.
Comment: Variant summary: PMS2 c.1444A>G (p.Ser482Gly) results in a non-conservative amino acid change in the encoded protein sequence. Algorithms developed to predict the effect of missense changes on protein structure and function are either unavailable or do not agree on the potential impact of this missense change. The variant allele was found at a frequency of 1.6e-05 in 251488 control chromosomes. The available data on variant occurrences in the general population are insufficient to allow any conclusion about variant significance. To our knowledge, no occurrence of c.1444A>G in individuals affected with PMS2-related conditions and no experimental evidence demonstrating its impact on protein function have been reported. ClinVar contains an entry for this variant (Variation ID: 187150). Based on the evidence outlined above, the variant was classified as uncertain significance.

PreventionGenetics, part of Exact Sciences
Classification: Uncertain significance for PMS2-related condition. Last evaluated: 2026-03-06. Review status: criteria provided, single submitter. Criteria: ACMG Guidelines, 2015. Collection method: clinical testing. Allele origin: germline.
Comment: The PMS2 c.1444A>G variant is predicted to result in the amino acid substitution p.Ser482Gly. To our knowledge, this variant has not been reported in the literature. This variant is reported in 0.0029% of alleles in individuals of Latino descent in gnomAD and has conflicting interpretations regarding its pathogenicity in ClinVar of likely benign and uncertain significance (Variation ID: 187150). Although we suspect that this variant may be benign, at this time, the clinical significance of this variant is uncertain due to the absence of conclusive functional and genetic evidence.

Labcorp Genetics (formerly Invitae), Labcorp
Classification: Benign for Hereditary nonpolyposis colorectal neoplasms. Last evaluated: 2025-11-25. Review status: criteria provided, single submitter. Criteria: Invitae Variant Classification Sherloc (09022015). Collection method: clinical testing. Allele origin: germline.

Color Diagnostics, LLC DBA Color Health
Classification: Likely benign for Hereditary cancer-predisposing syndrome. Last evaluated: 2024-10-17. Review status: criteria provided, single submitter. Criteria: ACMG Guidelines, 2015. Collection method: clinical testing. Allele origin: germline.

GeneDx
Classification: Uncertain significance. Last evaluated: 2024-10-06. Review status: criteria provided, single submitter. Criteria: GeneDx Variant Classification Process June 2021. Collection method: clinical testing. Allele origin: germline. Affected: yes.
Comment: Not observed at significant frequency in large population cohorts (gnomAD); In silico analysis indicates that this missense variant does not alter protein structure/function; Has not been previously published as pathogenic or benign to our knowledge

All of Us Research Program, National Institutes of Health
Classification: Likely benign for Lynch syndrome. Last evaluated: 2024-01-11. Review status: criteria provided, single submitter. Criteria: ACMG Guidelines, 2015. Collection method: clinical testing. Allele origin: germline. Inheritance: Autosomal dominant inheritance. Observed: 4 variant alleles, 4 heterozygotes.
Comment: This study involves interpretation of variants in research participants for the purpose of population health screening. Participant phenotype was not available at the time of variant classification. Additional details can be found in publication PMID: 35346344, PMCID: PMC8962531

Quest Diagnostics Nichols Institute San Juan Capistrano
Classification: Uncertain significance. Last evaluated: 2019-11-24. Review status: criteria provided, single submitter. Criteria: Quest Diagnostics criteria. Collection method: clinical testing. Allele origin: unknown.

Ambry Genetics
Classification: Likely benign for Hereditary cancer-predisposing syndrome. Last evaluated: 2018-09-11. Review status: criteria provided, single submitter. Criteria: Ambry Variant Classification Scheme 2023. Collection method: clinical testing. Allele origin: germline.

NM_000535.7(PMS2):c.1444A>G (p.Ser482Gly)

Gene: PMS2 (PMS1 homolog 2, mismatch repair system component; minus strand). Cytogenetic location: 7p22.1.
Variant type: single nucleotide variant.
Coding change: c.1444A>G on transcript NM_000535.7 (MANE Select); coding-DNA position 1444, A replaced by G.
Protein change: p.Ser482Gly; replaces serine 482 with glycine.
Molecular consequence: missense variant. On other transcripts: non-coding transcript variant (1).
Genome position (GRCh38, 1-based): chr7:5,987,321, T>C on the plus strand (A>G on the coding strand, the complement: PMS2 is on the minus strand). VCF-style: chr7-5987321-T-C. GRCh37 (hg19) VCF-style: chr7-6026952-T-C.
Other names: c.1039A>G, p.Ser347Gly (NM_001322003.2, NM_001322004.2, NM_001322005.2 and 1 more transcripts); c.1288A>G, p.Ser430Gly (NM_001322006.2); c.1126A>G, p.Ser376Gly (NM_001322007.2, NM_001322008.2); c.883A>G, p.Ser295Gly (NM_001322010.2); c.511A>G, p.Ser171Gly (NM_001322011.2, NM_001322012.2); c.871A>G, p.Ser291Gly (NM_001322013.2); c.1444A>G, p.Ser482Gly (NM_001322014.2); c.1135A>G, p.Ser379Gly (NM_001322015.2); short protein forms S482G, S379G, S376G, S295G, S430G, S171G, S291G, S347G.
Identifiers: ClinVar variation 187150 (VCV000187150.24), dbSNP rs786203510, ClinGen allele CA009691.